The following is an entry in ClinVar:

NM_000274.4(OAT):c.166C>T (p.His56Tyr)

Gene: OAT (ornithine aminotransferase; minus strand). Cytogenetic location: 10q26.13.
Variant type: single nucleotide variant.
Coding change: c.166C>T on transcript NM_000274.4 (MANE Select); coding-DNA position 166, C replaced by T.
Protein change: p.His56Tyr; replaces histidine 56 with tyrosine.
Molecular consequence: missense variant. On other transcripts: intron variant (2).
Genome position (GRCh38, 1-based): chr10:124,412,006, G>A on the plus strand (C>T on the coding strand, the complement: OAT is on the minus strand). VCF-style: chr10-124412006-G-A. GRCh37 (hg19) VCF-style: chr10-126100575-G-A.
Other names: c.166C>T, p.His56Tyr (NM_001322965.2, NM_001322966.2, NM_001322967.2 and 4 more transcripts); c.-215-3041C>T (NM_001171814.2); c.-515-3041C>T (NM_001322974.2); c.166C>T (NM_000274.3); short protein forms H56Y.
Identifiers: ClinVar variation 1361327 (VCV001361327.6), dbSNP rs1228173312, ClinGen allele CA378638045.

ClinVar aggregate classification (germline): Uncertain significance. Review status: criteria provided, single submitter (1 of 4 stars). 2 submissions from 2 submitters: Uncertain significance (1). 1 of the submissions does not count toward it. Last evaluated 2021-09-01.

Conditions:
Ornithine aminotransferase deficiency (GACR). Also called: OAT DEFICIENCY; OKT DEFICIENCY; Ornithine ketoacid aminotransferase deficiency; Gyrate atrophy; Gyrate atrophy of choroid and retina; Girate atrophy of the retina. Identifiers: Orphanet 414, MedGen C0018425, MONDO:0009796, OMIM 258870.

Allele frequency attached by ClinVar (database versions not stated): gnomAD exomes below 0.00001 and 0.00001.
gnomAD v4.1: 2 of 1,614,184 alleles (0.00012%); highest among the groups gnomAD compares: East Asian, 0.0045%; no homozygotes.

Submissions (2):

Labcorp Genetics (formerly Invitae), Labcorp
Classification: Uncertain significance for Ornithine aminotransferase deficiency. Last evaluated: 2021-09-01. Review status: criteria provided, single submitter. Criteria: Invitae Variant Classification Sherloc (09022015). Collection method: clinical testing. Allele origin: germline.
Comment: This sequence change replaces histidine with tyrosine at codon 56 of the OAT protein (p.His56Tyr). The histidine residue is highly conserved and there is a moderate physicochemical difference between histidine and tyrosine. This variant is not present in population databases (ExAC no frequency). This variant has not been reported in the literature in individuals affected with OAT-related conditions. Algorithms developed to predict the effect of missense changes on protein structure and function (SIFT, PolyPhen-2, Align-GVGD) all suggest that this variant is likely to be disruptive. In summary, the available evidence is currently insufficient to determine the role of this variant in disease. Therefore, it has been classified as a Variant of Uncertain Significance.

Natera, Inc.
Classification: Uncertain significance for Gyrate atrophy. Last evaluated: 2025-03-10. Review status: no assertion criteria provided. Collection method: clinical testing. Allele origin: germline. Not counted in ClinVar's aggregate classification.